The following is an entry in ClinVar:

ClinVar aggregate classification (germline): Uncertain significance. Review status: criteria provided, multiple submitters, no conflicts (2 of 4 stars). 3 submissions from 3 submitters: Uncertain significance (3). Last evaluated 2026-02-03.

Allele frequency attached by ClinVar (database versions not stated): gnomAD exomes 0.00002 and 0.00004; TOPMed 0.00002; gnomAD 0.00001; ExAC 0.00002.

Submissions (3):

GeneDx
Classification: Uncertain significance. Last evaluated: 2026-02-03. Review status: criteria provided, single submitter. Criteria: GeneDx Variant Classification Process June 2021. Collection method: clinical testing. Allele origin: germline.
Comment: Reported as heterozygous in an individual with early-onset Parkinson's disease and no symptoms of progressive external opthalmoplegia (PMID: 35792653); In silico analysis suggests that this missense variant does not alter protein structure/function; Not observed at significant frequency in large population cohorts (gnomAD); This variant is associated with the following publications: (PMID: 35792653, 36099812)

Labcorp Genetics (formerly Invitae), Labcorp
Classification: Uncertain significance. Last evaluated: 2024-01-04. Review status: criteria provided, single submitter. Criteria: Invitae Variant Classification Sherloc (09022015). Collection method: clinical testing. Allele origin: germline.
Comment: This sequence change replaces glutamic acid, which is acidic and polar, with lysine, which is basic and polar, at codon 461 of the TWNK protein (p.Glu461Lys). This variant is present in population databases (rs776518524, gnomAD 0.004%). This missense change has been observed in individual(s) with Parkinson disease (PMID: 35792653). ClinVar contains an entry for this variant (Variation ID: 444235). Advanced modeling of protein sequence and biophysical properties (such as structural, functional, and spatial information, amino acid conservation, physicochemical variation, residue mobility, and thermodynamic stability) performed at Invitae indicates that this missense variant is not expected to disrupt TWNK protein function with a negative predictive value of 95%. In summary, the available evidence is currently insufficient to determine the role of this variant in disease. Therefore, it has been classified as a Variant of Uncertain Significance.

CeGaT Center for Human Genetics Tuebingen
Classification: Uncertain significance. Last evaluated: 2017-06-01. Review status: criteria provided, single submitter. Criteria: CeGaT Center For Human Genetics Tuebingen Variant Classification Criteria Version 2. Collection method: clinical testing. Allele origin: germline. Affected: yes. Observed: 1 variant allele.

Literature cited by the submitters: PubMed 35792653 (cited by Labcorp Genetics (formerly Invitae), Labcorp).

NM_021830.5(TWNK):c.1381G>A (p.Glu461Lys)

Gene: TWNK (twinkle mtDNA helicase; plus strand). Cytogenetic location: 10q24.31.
Variant type: single nucleotide variant.
Coding change: c.1381G>A on transcript NM_021830.5 (MANE Select); coding-DNA position 1381, G replaced by A.
Protein change: p.Glu461Lys; replaces glutamic acid 461 with lysine.
Molecular consequence: missense variant. On other transcripts: non-coding transcript variant (5).
Genome position (GRCh38, 1-based): chr10:100,989,781, G>A. VCF-style: chr10-100989781-G-A. GRCh37 (hg19) VCF-style: chr10-102749538-G-A.
Other names: c.1381G>A, p.Glu461Lys (NM_001163812.2); c.19G>A, p.Glu7Lys (NM_001163813.2, NM_001163814.2, NM_001368275.1); c.1381G>A (NM_021830.4); short protein forms E461K, E7K.
Identifiers: ClinVar variation 444235 (VCV000444235.46), dbSNP rs776518524, ClinGen allele CA5653219.